The following is an entry in ClinVar:

NM_015693.4(INTU):c.2559+3A>G

Gene: INTU (inturned planar cell polarity protein; plus strand). Cytogenetic location: 4q28.1.
Variant type: single nucleotide variant.
Coding change: c.2559+3A>G on transcript NM_015693.4 (MANE Select); 3 bases into the intron after coding-DNA position 2559, A replaced by G.
Molecular consequence: intron variant.
Genome position (GRCh38, 1-based): chr4:127,711,105, A>G. VCF-style: chr4-127711105-A-G. GRCh37 (hg19) VCF-style: chr4-128632260-A-G.
Identifiers: ClinVar variation 3700870 (VCV003700870.2).

ClinVar aggregate classification (germline): Uncertain significance (1 of 4 stars; one submission).

gnomAD v4.1: 24 of 1,574,558 alleles (0.0015%); highest among the groups gnomAD compares: Non-Finnish European, 0.0021%; no homozygotes.

Submission:

Labcorp Genetics (formerly Invitae), Labcorp
Classification: Uncertain significance. Last evaluated: 2024-10-03. Review status: criteria provided, single submitter. Criteria: Invitae Variant Classification Sherloc (09022015). Collection method: clinical testing. Allele origin: germline.
Comment: This sequence change falls in intron 14 of the INTU gene. It does not directly change the encoded amino acid sequence of the INTU protein. It affects a nucleotide within the consensus splice site. This variant is present in population databases (no rsID available, gnomAD 0.0009%). This variant has not been reported in the literature in individuals affected with INTU-related conditions. Variants that disrupt the consensus splice site are a relatively common cause of aberrant splicing (PMID: 17576681, 9536098). Algorithms developed to predict the effect of sequence changes on RNA splicing suggest that this variant may disrupt the consensus splice site. In summary, the available evidence is currently insufficient to determine the role of this variant in disease. Therefore, it has been classified as a Variant of Uncertain Significance.

Literature cited by the submitters: PubMed 17576681; PubMed 9536098.